The following is an entry in ClinVar:

ClinVar aggregate classification (germline): Uncertain significance (1 of 4 stars; one submission).

Conditions:
MAP4K4-related autism spectrum disorder.

Submission:

3billion
Classification: Uncertain significance for MAP4K4-related autism spectrum disorder. Last evaluated: 2024-07-23. Review status: criteria provided, single submitter. Criteria: ACMG Guidelines, 2015. Collection method: clinical testing. Allele origin: germline. Affected: yes.
Comment: The variant is not observed in the gnomAD v4.0.0 dataset. Predicted Consequence/Location: Missense changes are a common disease-causing mechanism. Damaging effect on gene or gene product predicted by in silico programs is uncertain [REVEL: 0.27 (damaging >=0.6, benign <0.4), 3Cnet: 0.42 (damaging >=0.6, benign <0.15)]. Therefore, this variant is classified as VUS according to the recommendation of ACMG/AMP guideline.

NM_001395002.1(MAP4K4):c.3161C>G (p.Thr1054Ser)

Gene: MAP4K4 (mitogen-activated protein kinase kinase kinase kinase 4; plus strand). Cytogenetic location: 2q11.2.
Variant type: single nucleotide variant.
Coding change: c.3161C>G on transcript NM_001395002.1 (MANE Select); coding-DNA position 3161, C replaced by G.
Protein change: p.Thr1054Ser; replaces threonine 1054 with serine.
Molecular consequence: missense variant. On other transcripts: non-coding transcript variant (4).
Genome position (GRCh38, 1-based): chr2:101,874,172, C>G. VCF-style: chr2-101874172-C-G. GRCh37 (hg19) VCF-style: chr2-102490634-C-G.
Other names: c.2540C>G, p.Thr847Ser (NM_001384560.1); c.2456C>G, p.Thr819Ser (NM_001384561.1); c.2774C>G, p.Thr925Ser (NM_001384562.1); c.2963C>G, p.Thr988Ser (NM_001384563.1); c.3032C>G, p.Thr1011Ser (NM_001384564.1); c.2879C>G, p.Thr960Ser (NM_001384567.1); c.2780C>G, p.Thr927Ser (NM_001384572.1); c.2711C>G, p.Thr904Ser (NM_001384579.1, NM_001384491.1); and 39 more; short protein forms T1000S, T1011S, T1022S, T1051S, T1054S, T819S, T825S, T827S.
Identifiers: ClinVar variation 4072253 (VCV004072253.1).